The following is an entry in ClinVar:

ClinVar aggregate classification (germline): Likely benign (1 of 4 stars; one submission).

Allele frequency attached by ClinVar (database versions not stated): 1000 Genomes Project 0.00659; 1000 Genomes Project 30x 0.00718; TOPMed 0.01401; gnomAD 0.01409 and 0.01439.
gnomAD v4.1: 2,134 of 151,948 alleles (1.4%); highest among the groups gnomAD compares: Non-Finnish European, 2.3%; 18 homozygotes.

Submission:

GeneDx
Classification: Likely benign. Last evaluated: 2018-06-14. Review status: criteria provided, single submitter. Criteria: GeneDx Variant Classification (06012015). Collection method: clinical testing. Allele origin: germline. Affected: yes.
Comment: This variant is considered likely benign or benign based on one or more of the following criteria: it is a conservative change, it occurs at a poorly conserved position in the protein, it is predicted to be benign by multiple in silico algorithms, and/or has population frequency not consistent with disease.

NM_000702.4(ATP1A2):c.3035-284A>T

Gene: ATP1A2 (ATPase Na+/K+ transporting subunit alpha 2; plus strand). Cytogenetic location: 1q23.2.
Variant type: single nucleotide variant.
Coding change: c.3035-284A>T on transcript NM_000702.4 (MANE Select); 284 bases into the intron before coding-DNA position 3035, A replaced by T.
Molecular consequence: intron variant.
Genome position (GRCh38, 1-based): chr1:160,141,010, A>T. VCF-style: chr1-160141010-A-T. GRCh37 (hg19) VCF-style: chr1-160110800-A-T.
Identifiers: ClinVar variation 671336 (VCV000671336.1), dbSNP rs115534019, ClinGen allele CA31506950.